The following is an entry in ClinVar:

NM_032578.4(MYPN):c.3881T>C (p.Ile1294Thr)

Gene: MYPN (myopalladin; plus strand). Cytogenetic location: 10q21.3.
Variant type: single nucleotide variant.
Coding change: c.3881T>C on transcript NM_032578.4 (MANE Select); coding-DNA position 3881, T replaced by C.
Protein change: p.Ile1294Thr; replaces isoleucine 1294 with threonine.
Molecular consequence: missense variant. On other transcripts: non-coding transcript variant (2).
Genome position (GRCh38, 1-based): chr10:68,210,373, T>C. VCF-style: chr10-68210373-T-C. GRCh37 (hg19) VCF-style: chr10-69970130-T-C.
Other names: c.3881T>C (NM_032578.2); c.3881T>C, p.Ile1294Thr (NM_001256267.2); c.2999T>C, p.Ile1000Thr (NM_001256268.2); short protein forms I1000T, I1294T.
Identifiers: ClinVar variation 1053500 (VCV001053500.10), dbSNP rs2134357329, ClinGen allele CA376830137.

ClinVar aggregate classification (germline): Uncertain significance. Review status: criteria provided, multiple submitters, no conflicts (2 of 4 stars). 2 submissions from 2 submitters: Uncertain significance (2). Last evaluated 2025-12-02.

Conditions:
Cardiovascular phenotype. Identifiers: MedGen CN230736.
Dilated cardiomyopathy 1KK (CMD1KK). Identifiers: Orphanet 154, Orphanet 75249, MedGen C3714995, MONDO:0014100, OMIM 615248.

Submissions (2):

Ambry Genetics
Classification: Uncertain significance for Cardiovascular phenotype. Last evaluated: 2025-12-02. Review status: criteria provided, single submitter. Criteria: Ambry Variant Classification Scheme 2023. Collection method: clinical testing. Allele origin: germline.
Comment: The p.I1294T variant (also known as c.3881T>C), located in coding exon 19 of the MYPN gene, results from a T to C substitution at nucleotide position 3881. The isoleucine at codon 1294 is replaced by threonine, an amino acid with similar properties. This amino acid position is conserved. In addition, the in silico prediction for this alteration is inconclusive. Based on the available evidence, the clinical significance of this variant remains unclear.

Labcorp Genetics (formerly Invitae), Labcorp
Classification: Uncertain significance for Dilated cardiomyopathy 1KK. Last evaluated: 2020-10-08. Review status: criteria provided, single submitter. Criteria: Invitae Variant Classification Sherloc (09022015). Collection method: clinical testing. Allele origin: germline.
Comment: This sequence change replaces isoleucine with threonine at codon 1294 of the MYPN protein (p.Ile1294Thr). The isoleucine residue is moderately conserved and there is a moderate physicochemical difference between isoleucine and threonine. This variant is not present in population databases (ExAC no frequency). This variant has not been reported in the literature in individuals with MYPN-related conditions. Algorithms developed to predict the effect of missense changes on protein structure and function (SIFT, PolyPhen-2, Align-GVGD) all suggest that this variant is likely to be tolerated, but these predictions have not been confirmed by published functional studies and their clinical significance is uncertain. In summary, the available evidence is currently insufficient to determine the role of this variant in disease. Therefore, it has been classified as a Variant of Uncertain Significance.